The following is an entry in ClinVar:

NM_001330691.3(CEP78):c.109T>C (p.Cys37Arg)

Gene: CEP78 (centrosomal protein 78; plus strand). Cytogenetic location: 9q21.2.
Variant type: single nucleotide variant.
Coding change: c.109T>C on transcript NM_001330691.3 (MANE Select); coding-DNA position 109, T replaced by C.
Protein change: p.Cys37Arg; replaces cysteine 37 with arginine.
Molecular consequence: missense variant.
Genome position (GRCh38, 1-based): chr9:78,236,459, T>C. VCF-style: chr9-78236459-T-C. GRCh37 (hg19) VCF-style: chr9-80851375-T-C.
Other names: c.109T>C, p.Cys37Arg (NM_001098802.3, NM_001330693.3, NM_001330694.2 and 4 more transcripts); c.109T>C (NM_001098802.1); short protein forms C37R.
Identifiers: ClinVar variation 1363676 (VCV001363676.7), dbSNP rs1221284717, ClinGen allele CA373999278.

ClinVar aggregate classification (germline): Uncertain significance. Review status: criteria provided, multiple submitters, no conflicts (2 of 4 stars). 2 submissions from 2 submitters: Uncertain significance (2). Last evaluated 2025-03-27.

Conditions:
Inborn genetic diseases. Identifiers: MedGen C0950123, MeSH D030342.

Allele frequency attached by ClinVar (database versions not stated): TOPMed 0.00001; gnomAD exomes 0.00002; gnomAD 0.00001.

Submissions (2):

Ambry Genetics
Classification: Uncertain significance for Inborn genetic diseases. Last evaluated: 2025-03-27. Review status: criteria provided, single submitter. Criteria: Ambry Variant Classification Scheme 2023. Collection method: clinical testing. Allele origin: germline.

Labcorp Genetics (formerly Invitae), Labcorp
Classification: Uncertain significance. Last evaluated: 2022-07-05. Review status: criteria provided, single submitter. Criteria: Invitae Variant Classification Sherloc (09022015). Collection method: clinical testing. Allele origin: germline.
Comment: In summary, the available evidence is currently insufficient to determine the role of this variant in disease. Therefore, it has been classified as a Variant of Uncertain Significance. Algorithms developed to predict the effect of missense changes on protein structure and function are either unavailable or do not agree on the potential impact of this missense change (SIFT: "Tolerated"; PolyPhen-2: "Probably Damaging"; Align-GVGD: "Class C0"). ClinVar contains an entry for this variant (Variation ID: 1363676). This variant has not been reported in the literature in individuals affected with CEP78-related conditions. The frequency data for this variant in the population databases is considered unreliable, as metrics indicate poor data quality at this position in the gnomAD database. This sequence change replaces cysteine, which is neutral and slightly polar, with arginine, which is basic and polar, at codon 37 of the CEP78 protein (p.Cys37Arg).